The following is an entry in ClinVar:

NM_018406.7(MUC4):c.8301C>G (p.Thr2767=)

Gene: MUC4 (mucin 4, cell surface associated). Cytogenetic location: 3q29.
Variant type: single nucleotide variant.
Coding change: c.8301C>G on transcript NM_018406.7 (MANE Select); coding-DNA position 8301, C replaced by G.
Protein change: p.Thr2767=; no amino-acid change (threonine 2767 retained).
Molecular consequence: synonymous variant. On other transcripts: genic upstream transcript variant (2).
Genome position (GRCh38, 1-based): chr3:195,783,279, G>C on the plus strand (C>G on the coding strand, the complement: MUC4 is on the minus strand). VCF-style: chr3-195783279-G-C. GRCh37 (hg19) VCF-style: chr3-195510150-G-C.
Other names: c.12060C>G, p.Thr4020= (NM_001322468.1); c.83-8974C>G (NM_138297.5); c.83-4824C>G (NM_004532.6).
Identifiers: ClinVar variation 3234501 (VCV003234501.20), dbSNP rs773196456, ClinGen allele CA2771666.
Genomic context (GRCh38, chr3:195,783,279, plus strand): 5'-GACATGAAGAGGGGTGGCGTGACCTGTGGATACTGAGGAAGTGTTGGTGACAGGAAGAGG[G>C]GTGGCGTGACCTGTGGATGCTGAGGAAGTGTCGGTGACAGGAAGAGGGGTGGTGTCACCT-3'
Protein context (NP_060876.5, residues 2757-2777): DTSSASTGHA[Thr2767=]PLPVTNTSSV

ClinVar aggregate classification (germline): Likely benign (1 of 4 stars; one submission).

Allele frequency attached by ClinVar (database versions not stated): gnomAD 0.00003; ExAC 0.00004.

Submission:

CeGaT Center for Human Genetics Tuebingen
Classification: Likely benign. Last evaluated: 2024-04-01. Review status: criteria provided, single submitter. Criteria: CeGaT Center For Human Genetics Tuebingen Variant Classification Criteria Version 2. Collection method: clinical testing. Allele origin: germline. Affected: yes. Observed: 1 variant allele.
Comment: MUC4: BP4, BP7